The following is an entry in ClinVar:

NM_194248.3(OTOF):c.1253G>A (p.Arg418Gln)

Gene: OTOF (otoferlin; minus strand). Cytogenetic location: 2p23.3.
Variant type: single nucleotide variant.
Coding change: c.1253G>A on transcript NM_194248.3 (MANE Select); coding-DNA position 1253, G replaced by A.
Protein change: p.Arg418Gln; replaces arginine 418 with glutamine.
Molecular consequence: missense variant.
Genome position (GRCh38, 1-based): chr2:26,483,601, C>T on the plus strand (G>A on the coding strand, the complement: OTOF is on the minus strand). VCF-style: chr2-26483601-C-T. GRCh37 (hg19) VCF-style: chr2-26706469-C-T.
Other names: c.1253G>A, p.Arg418Gln (NM_001287489.2); short protein forms R418Q.
Identifiers: ClinVar variation 2075577 (VCV002075577.3), dbSNP rs751460409, ClinGen allele CA1564324.

ClinVar aggregate classification (germline): Uncertain significance. Review status: criteria provided, multiple submitters, no conflicts (2 of 4 stars). 3 submissions from 3 submitters: Uncertain significance (3). Last evaluated 2024-11-06.

Allele frequency attached by ClinVar (database versions not stated): gnomAD 0.00003; TOPMed 0.00003; ExAC 0.00004.
gnomAD v4.1: 37 of 1,613,372 alleles (0.0023%); highest among the groups gnomAD compares: Middle Eastern, 0.017%; no homozygotes.

Submissions (3):

Blueprint Genetics
Classification: Uncertain significance. Last evaluated: 2024-11-06. Review status: criteria provided, single submitter. Criteria: ACMG Guidelines, 2015. Collection method: clinical testing. Allele origin: germline.

GeneDx
Classification: Uncertain significance. Last evaluated: 2024-05-14. Review status: criteria provided, single submitter. Criteria: GeneDx Variant Classification Process June 2021. Collection method: clinical testing. Allele origin: germline. Affected: yes.
Comment: In silico analysis supports that this missense variant has a deleterious effect on protein structure/function; Has not been previously published as pathogenic or benign to our knowledge

Labcorp Genetics (formerly Invitae), Labcorp
Classification: Uncertain significance. Last evaluated: 2022-01-16. Review status: criteria provided, single submitter. Criteria: Invitae Variant Classification Sherloc (09022015). Collection method: clinical testing. Allele origin: germline.
Comment: This sequence change replaces arginine, which is basic and polar, with glutamine, which is neutral and polar, at codon 418 of the OTOF protein (p.Arg418Gln). This variant is present in population databases (rs751460409, gnomAD 0.01%). This variant has not been reported in the literature in individuals affected with OTOF-related conditions. Algorithms developed to predict the effect of missense changes on protein structure and function are either unavailable or do not agree on the potential impact of this missense change (SIFT: "Deleterious"; PolyPhen-2: "Possibly Damaging"; Align-GVGD: "Class C0"). In summary, the available evidence is currently insufficient to determine the role of this variant in disease. Therefore, it has been classified as a Variant of Uncertain Significance.